The following is an entry in ClinVar:

ClinVar aggregate classification (germline): Conflicting classifications of pathogenicity. Review status: criteria provided, conflicting classifications (1 of 4 stars). 7 submissions from 7 submitters: Uncertain significance (6); Likely benign (1). Last evaluated 2026-10-01.

Conditions:
LZTR1-related schwannomatosis. Also called: Schwannomatosis 2; Schwannomatosis-2, susceptibility to. Identifiers: Orphanet 93921, MedGen C3810283, MONDO:0014299, OMIM 615670.
LZTR1-related disorder. Also called: LZTR1-related disorders; LZTR1-related condition.
Hereditary cancer-predisposing syndrome. Also called: Neoplastic Syndromes, Hereditary; Tumor predisposition; Hereditary neoplastic syndrome; Hereditary Cancer Syndrome. Identifiers: Orphanet 140162, MedGen C0027672, MeSH D009386, MONDO:0015356.
Cardiovascular phenotype. Identifiers: MedGen CN230736.
Noonan syndrome 10 (NS10). Identifiers: Orphanet 648, MedGen C4225280, MONDO:0014693, OMIM 616564.

Allele frequency attached by ClinVar (database versions not stated): TOPMed 0.00003; gnomAD 0.00004 and 0.00005; gnomAD exomes 0.00007; ExAC 0.00018.
gnomAD v4.1: 51 of 1,560,054 alleles (0.0033%); highest among the groups gnomAD compares: Middle Eastern, 0.05%; no homozygotes.

Submissions (7):

St. Jude Molecular Pathology, St. Jude Children's Research Hospital
Classification: Uncertain significance for Noonan syndrome 10. Last evaluated: 2026-10-01. Review status: criteria provided, single submitter. Criteria: St. Jude Assertion Criteria 2020. Collection method: clinical testing. Allele origin: germline.
Comment: The LZTR1 c.23G>C p.(Gly8Ala) missense cha nge has a maximum subpopulation frequency of 0.04% in gnomAD v2.1.1. The in silico tool REVEL predicts a benign effect on protein function, but to our knowledge this prediction has not been confirmed by functional stu dies. To our knowledge, this variant has not been reported in individuals with Noonan syndrome or schwannomatosis. In summary, the evidence currently available is insufficient to determine the clinical significance of this variant. It has therefore been classified as of uncertain significance.

PreventionGenetics, part of Exact Sciences
Classification: Uncertain significance for LZTR1-related condition. Last evaluated: 2026-03-18. Review status: criteria provided, single submitter. Criteria: ACMG Guidelines, 2015. Collection method: clinical testing. Allele origin: germline.
Comment: The LZTR1 c.23G>C variant is predicted to result in the amino acid substitution p.Gly8Ala. To our knowledge, this variant has not been reported in the literature. This variant is reported in 0.037% of alleles in individuals of South Asian descent in gnomAD and has conflicting interpretations in ClinVar ranging from likely benign to uncertain (Variation ID: 933179). Although we suspect that this variant may be benign, at this time, the clinical significance of this variant is uncertain due to the absence of conclusive functional and genetic evidence.

Labcorp Genetics (formerly Invitae), Labcorp
Classification: Uncertain significance. Last evaluated: 2026-01-13. Review status: criteria provided, single submitter. Criteria: Invitae Variant Classification Sherloc (09022015). Collection method: clinical testing. Allele origin: germline.
Comment: This sequence change replaces glycine, which is neutral and non-polar, with alanine, which is neutral and non-polar, at codon 8 of the LZTR1 protein (p.Gly8Ala). This variant is present in population databases (rs764439278, gnomAD 0.04%). This variant has not been reported in the literature in individuals affected with LZTR1-related conditions. ClinVar contains an entry for this variant (Variation ID: 933179). Invitae Evidence Modeling of protein sequence and biophysical properties (such as structural, functional, and spatial information, amino acid conservation, physicochemical variation, residue mobility, and thermodynamic stability) has been performed for this missense variant. However, the output from this modeling did not meet the statistical confidence thresholds required to predict the impact of this variant on LZTR1 protein function. In summary, the available evidence is currently insufficient to determine the role of this variant in disease. Therefore, it has been classified as a Variant of Uncertain Significance.

Ambry Genetics
Classification: Likely benign for Cardiovascular phenotype; Hereditary cancer-predisposing syndrome. Last evaluated: 2025-07-24. Review status: criteria provided, single submitter. Criteria: Ambry Variant Classification Scheme 2023. Collection method: clinical testing. Allele origin: germline.

Women's Health and Genetics/Laboratory Corporation of America, LabCorp
Classification: Uncertain significance. Last evaluated: 2025-03-31. Review status: criteria provided, single submitter. Criteria: LabCorp Variant Classification Summary - May 2015. Collection method: clinical testing. Allele origin: germline.
Comment: Variant summary: LZTR1 c.23G>C (p.Gly8Ala) results in a non-conservative amino acid change in the encoded protein sequence. Four of five in-silico tools predict a benign effect of the variant on protein function. The variant allele was found at a frequency of 6.7e-05 in 163164 control chromosomes. Although present at a frequency exceeding that of Autosomal Dominant Noonan Syndrome And Related Conditions, this frequency is not significantly higher than estimated for a pathogenic variant causing Autosomal Recessive LZTR1 causing Noonan Syndrome 2 (6.7e-05 vs 0.0032), allowing no conclusion about variant significance. To our knowledge, no occurrence of c.23G>C in individuals affected with Noonan Syndrome 2 and no experimental evidence demonstrating its impact on protein function have been reported. ClinVar contains an entry for this variant (Variation ID: 933179). Based on the evidence outlined above, the variant was classified as uncertain significance.

GeneDx
Classification: Uncertain significance. Last evaluated: 2024-03-13. Review status: criteria provided, single submitter. Criteria: GeneDx Variant Classification Process June 2021. Collection method: clinical testing. Allele origin: germline. Affected: yes.
Comment: In silico analysis supports that this missense variant does not alter protein structure/function; Identified in a patient with features of growth hormone insensitivity and Noonan syndrome (PMID: Chatterjee2019[Abstract]); This variant is associated with the following publications: (PMID: Chatterjee2019[Abstract])

Baylor Genetics
Classification: Uncertain significance for LZTR1-related schwannomatosis. Last evaluated: 2024-03-06. Review status: criteria provided, single submitter. Criteria: ACMG Guidelines, 2015. Collection method: clinical testing. Allele origin: unknown.

Literature cited by the submitters: PubMed 36413997 (cited by Ambry Genetics).

NM_006767.4(LZTR1):c.23G>C (p.Gly8Ala)

Genes: LZTR1 (leucine zipper like post translational regulator 1; plus strand), LOC130067016 (ATAC-STARR-seq lymphoblastoid silent region 13504; plus strand). Cytogenetic location: 22q11.21.
Variant type: single nucleotide variant.
Coding change: c.23G>C on transcript NM_006767.4 (MANE Select); coding-DNA position 23, G replaced by C.
Protein change: p.Gly8Ala; replaces glycine 8 with alanine.
Molecular consequence: missense variant.
Genome position (GRCh38, 1-based): chr22:20,982,394, G>C. VCF-style: chr22-20982394-G-C. GRCh37 (hg19) VCF-style: chr22-21336683-G-C.
Other names: short protein forms G8A.
Identifiers: ClinVar variation 933179 (VCV000933179.19), dbSNP rs764439278, ClinGen allele CA10118268.